The following is an entry in ClinVar:

ClinVar aggregate classification (germline): Uncertain significance (1 of 4 stars; one submission).

Conditions:
Epilepsy, familial focal, with variable foci 1 (FFEVF1). Also called: DEPDC5-Related Epilepsy. Identifiers: MedGen C4551983, MONDO:0024556, OMIM 604364.

Submission:

Neuberg Centre For Genomic Medicine, NCGM
Classification: Uncertain significance for Epilepsy, familial focal, with variable foci 1. Review status: criteria provided, single submitter. Criteria: ACMG Guidelines, 2015. Collection method: clinical testing. Allele origin: germline. Inheritance: Autosomal dominant inheritance. Affected: yes.
Comment: The frameshift variant c.1891del (p.Gln631ArgfsTer31) in DEPDC5 gene has not been reported previously as a pathogenic variant nor as a benign variant, to our knowledge. The p.Gln631ArgfsTer31 variant is novel (not in any individuals) in gnomAD exomes and is novel (not in any individuals) in 1000 Genomes. This variant has not been reported to the ClinVar database. This variant is predicted to cause loss of normal protein function through protein truncation. Loss of function variants have been previously reported to be disease causing. For these reasons, this variant has been classified as Uncertain Significance.

NM_001242896.3(DEPDC5):c.1891del (p.Gln631fs)

Gene: DEPDC5 (DEP domain containing 5, GATOR1 subcomplex subunit; plus strand). Cytogenetic location: 22q12.3.
Variant type: Deletion.
Coding change: c.1891del on transcript NM_001242896.3 (MANE Select); coding-DNA position 1891, one base deleted (C; older notation c.1891delC).
Protein change: p.Gln631fs; shifts the reading frame from glutamine 631.
Molecular consequence: frameshift variant. On other transcripts: non-coding transcript variant (4), intron variant (3).
Genome position (GRCh38, 1-based): chr22:31,821,522, C deleted; the last of 2 consecutive C bases (chr22:31,821,521-31,821,522); deleting either gives the same sequence. VCF-style (leftmost placement, unchanged base first): chr22-31821520-TC-T. GRCh37 (hg19) VCF-style: chr22-32217506-TC-T.
Other names: c.1891del, p.Gln631fs (NM_001136029.4, NM_001363852.2, NM_001364318.2 and 3 more transcripts); c.1807del, p.Gln603fs (NM_001369901.1, NM_001369902.1); c.1870+2297del (NM_001363854.2, NM_001242897.2, NM_001364319.2); short protein forms Q631fs, Q603fs.
Identifiers: ClinVar variation 2585002 (VCV002585002.1), dbSNP rs2519445879, ClinGen allele CA2582342820.
Genomic context (GRCh38, chr22:31,821,520, plus strand): 5'-TATCAGGTGGGAATGATGCTCAGTGGTTCTTTATCTGGGTAGGGCCATCCGGAGAAGCCA[TC>T]CAGATCCACCACCAGACCCGACAGAATATGGCGGAGCTACAAGGCAGCGGGCAGAGGGAT-3'